The following is an entry in ClinVar:

ClinVar aggregate classification (germline): Uncertain significance (1 of 4 stars; one submission).

Conditions:
Cardiovascular phenotype. Identifiers: MedGen CN230736.

gnomAD v4.1: 1 of 1,540,410 alleles (0.000065%); highest among the groups gnomAD compares: Non-Finnish European, 0.000087%; no homozygotes.

Submission:

Ambry Genetics
Classification: Uncertain significance for Cardiovascular phenotype. Last evaluated: 2025-04-07. Review status: criteria provided, single submitter. Criteria: Ambry Variant Classification Scheme 2023. Collection method: clinical testing. Allele origin: germline.
Comment: The p.R3172S variant (also known as c.9514C>A), located in coding exon 2 of the ZNF469 gene, results from a C to A substitution at nucleotide position 9514. The arginine at codon 3172 is replaced by serine, an amino acid with dissimilar properties. This amino acid position is conserved. In addition, this alteration is predicted to be tolerated by in silico analysis. Based on the available evidence, the clinical significance of this variant remains unclear.

NM_001367624.2(ZNF469):c.9598C>A (p.Arg3200Ser)

Gene: ZNF469 (zinc finger protein 469; plus strand). Cytogenetic location: 16q24.2.
Variant type: single nucleotide variant.
Coding change: c.9598C>A on transcript NM_001367624.2 (MANE Select); coding-DNA position 9598, C replaced by A.
Protein change: p.Arg3200Ser; replaces arginine 3200 with serine.
Molecular consequence: missense variant.
Genome position (GRCh38, 1-based): chr16:88,437,068, C>A. VCF-style: chr16-88437068-C-A. GRCh37 (hg19) VCF-style: chr16-88503476-C-A.
Other names: NM_001127464.1:c.9514C>A; short protein forms R3200S.
Identifiers: ClinVar variation 3987318 (VCV003987318.1).